The following is an entry in ClinVar:

ClinVar aggregate classification (germline): Pathogenic (1 of 4 stars; one submission).

Conditions:
Baller-Gerold syndrome (BGS). Also called: CRANIOSYNOSTOSIS WITH RADIAL DEFECTS. Identifiers: Orphanet 1225, MedGen C0265308, MONDO:0009039, OMIM 218600.

Submission:

Labcorp Genetics (formerly Invitae), Labcorp
Classification: Pathogenic for Baller-Gerold syndrome. Last evaluated: 2025-01-06. Review status: criteria provided, single submitter. Criteria: Invitae Variant Classification Sherloc (09022015). Collection method: clinical testing. Allele origin: germline.
Comment: This sequence change creates a premature translational stop signal (p.Pro545Alafs*38) in the RECQL4 gene. It is expected to result in an absent or disrupted protein product. Loss-of-function variants in RECQL4 are known to be pathogenic (PMID: 12734318, 12952869). This variant is not present in population databases (gnomAD no frequency). This variant has not been reported in the literature in individuals affected with RECQL4-related conditions. ClinVar contains an entry for this variant (Variation ID: 1413788). For these reasons, this variant has been classified as Pathogenic.

Literature cited by the submitters: PubMed 12734318; PubMed 12952869.

NM_004260.4(RECQL4):c.1631dup (p.Pro545fs)

Gene: RECQL4 (RecQ like helicase 4; minus strand). Cytogenetic location: 8q24.3.
Variant type: Duplication.
Coding change: c.1631dup on transcript NM_004260.4 (MANE Select); coding-DNA position 1631, one base duplicated (T; older notation c.1631dupT).
Protein change: p.Pro545fs; shifts the reading frame from proline 545.
Molecular consequence: frameshift variant.
Genome position (GRCh38, 1-based): chr8:144,514,515, A duplicated on the plus strand (T on the coding strand, the reverse complement: RECQL4 is on the minus strand). VCF-style (leftmost placement, unchanged base first): chr8-144514514-C-CA. GRCh37 (hg19) VCF-style: chr8-145739898-C-CA.
Other names: short protein forms P545fs.
Identifiers: ClinVar variation 1413788 (VCV001413788.6), dbSNP rs2130698955, ClinGen allele CA2573142910.